The following is an entry in ClinVar:

NM_005188.4(CBL):c.2251+14_2251+22del

Gene: CBL (Cbl proto-oncogene; plus strand). Cytogenetic location: 11q23.3.
Variant type: Deletion.
Coding change: c.2251+14_2251+22del on transcript NM_005188.4 (MANE Select); bases 14 to 22 of the intron after coding-DNA position 2251, 9 bases deleted (CTGCTACTT; older notation c.2251+14_2251+22delCTGCTACTT).
Molecular consequence: intron variant.
Genome position (GRCh38, 1-based): chr11:119,297,495-119,297,503, CTGCTACTT deleted; deleting any 9 consecutive bases within chr11:119,297,493-119,297,503 gives the same sequence; the c. name uses the placement nearest the transcript's 3' end. VCF-style (leftmost placement, unchanged base first): chr11-119297492-ATTCTGCTAC-A. GRCh37 (hg19) VCF-style: chr11-119168202-ATTCTGCTAC-A.
Other names: c.2251+14_2251+22delCTGCTACTT (NM_005188.2, NM_005188.4).
Identifiers: ClinVar variation 421363 (VCV000421363.7), dbSNP rs568433114, ClinGen allele CA6318718.

ClinVar aggregate classification (germline): Benign/Likely benign. Review status: criteria provided, multiple submitters, no conflicts (2 of 4 stars). 4 submissions from 4 submitters: Benign (1); Likely benign (3). Last evaluated 2025-12-03.

Conditions:
RASopathy. Also called: Noonan spectrum disorder; rasopathies. Identifiers: Orphanet 536391, MedGen C5555857, MONDO:0021060.

Submissions (4):

Labcorp Genetics (formerly Invitae), Labcorp
Classification: Benign for RASopathy. Last evaluated: 2025-12-03. Review status: criteria provided, single submitter. Criteria: Invitae Variant Classification Sherloc (09022015). Collection method: clinical testing. Allele origin: germline.

Women's Health and Genetics/Laboratory Corporation of America, LabCorp
Classification: Likely benign. Last evaluated: 2025-07-13. Review status: criteria provided, single submitter. Criteria: LabCorp Variant Classification Summary - May 2015. Collection method: clinical testing. Allele origin: germline.

Blueprint Genetics
Classification: Likely benign. Last evaluated: 2024-10-23. Review status: criteria provided, single submitter. Criteria: ACMG Guidelines, 2015. Collection method: clinical testing. Allele origin: germline.

GeneDx
Classification: Likely benign. Last evaluated: 2016-06-02. Review status: criteria provided, single submitter. Criteria: GeneDx Variant Classification (06012015). Collection method: clinical testing. Allele origin: germline. Affected: yes.
Comment: This variant is considered likely benign or benign based on one or more of the following criteria: it is a conservative change, it occurs at a poorly conserved position in the protein, it is predicted to be benign by multiple in silico algorithms, and/or has population frequency not consistent with disease.